The following is an entry in ClinVar:

NM_007294.4(BRCA1):c.995G>A (p.Arg332Gln)

Gene: BRCA1 (BRCA1 DNA repair associated; minus strand). Cytogenetic location: 17q21.31.
Variant type: single nucleotide variant.
Coding change: c.995G>A on transcript NM_007294.4 (MANE Select); coding-DNA position 995, G replaced by A.
Protein change: p.Arg332Gln; replaces arginine 332 with glutamine.
Molecular consequence: missense variant. On other transcripts: intron variant (137).
Genome position (GRCh38, 1-based): chr17:43,094,536, C>T on the plus strand (G>A on the coding strand, the complement: BRCA1 is on the minus strand). VCF-style: chr17-43094536-C-T. GRCh37 (hg19) VCF-style: chr17-41246553-C-T.
Other names: p.R332Q:CGG>CAG; p.Arg332Gln; c.995G>A, p.Arg332Gln (NM_001407603.1, NM_001407605.1, NM_001407616.1 and 30 more transcripts); c.992G>A, p.Arg331Gln (NM_001407610.1, NM_001407611.1, NM_001407612.1 and 22 more transcripts); c.986G>A, p.Arg329Gln (NM_001407647.1, NM_001407646.1); c.872G>A, p.Arg291Gln (NM_001407648.1, NM_001407668.1, NM_001407669.1 and 19 more transcripts); c.869G>A, p.Arg290Gln (NM_001407649.1, NM_001407670.1, NM_001407671.1 and 11 more transcripts); c.917G>A, p.Arg306Gln (NM_001407653.1, NM_001407654.1, NM_001407655.1 and 4 more transcripts); and 42 more; short protein forms R332Q, R285Q, R164Q, R204Q, R243Q, R291Q, R329Q, R36Q.
Identifiers: ClinVar variation 55776 (VCV000055776.47), dbSNP rs80357464, ClinGen allele CA004005.
Genomic context (GRCh38, chr17:43,094,536, plus strand): 5'-TCTTTTCTCTCACACAGGGGATCAGCATTCAGATCTACCTTTTTTTCTGTGCTGGGAGTC[C>T]GCCTATCATTACATGTTTCCTTACTTCCAGCCCATCTGTTATGTTGGCTCCTTGCTAAGC-3'
Protein context (NP_009225.1, residues 322-342): AGSKETCNDR[Arg332Gln]TPSTEKKVDL

ClinVar aggregate classification (germline): Conflicting classifications of pathogenicity. Review status: criteria provided, conflicting classifications (1 of 4 stars). 13 submissions from 13 submitters: Uncertain significance (3); Benign (2); Likely benign (5). 3 of the submissions do not count toward it. Last evaluated 2026-01-14.

Conditions:
Hereditary cancer-predisposing syndrome. Also called: Hereditary Cancer Syndrome; Hereditary neoplastic syndrome; Neoplastic Syndromes, Hereditary; Tumor predisposition. Identifiers: Orphanet 140162, MedGen C0027672, MeSH D009386, MONDO:0015356.
Hereditary breast ovarian cancer syndrome. Also called: BRCA1- and BRCA2-Associated Hereditary Breast and Ovarian Cancer; Hereditary breast and ovarian cancer syndrome; Hereditary breast and ovarian cancer syndrome (HBOC); Breast and ovarian cancer; Hereditary breast and/or ovarian cancer syndrome; Hereditary breast and ovarian cancer. Identifiers: Orphanet 145, MedGen C0677776, MeSH D061325, MONDO:0003582. Disease mechanism: loss of function.
Breast-ovarian cancer, familial, susceptibility to, 1 (BROVCA1). Also called: BRCA1 Hereditary Breast and Ovarian Cancer; OVARIAN CANCER, SUSCEPTIBILITY TO. Identifiers: Orphanet 145, MedGen C2676676, MONDO:0011450, OMIM 604370. Disease mechanism: loss of function.
BRCA1-related disorder. Also called: BRCA1-related condition.

Allele frequency attached by ClinVar (database versions not stated): ExAC 0.00002; gnomAD exomes 0.00004 and 0.00001; gnomAD 0.00001; TOPMed 0.00001; 1000 Genomes Project 30x 0.00016; 1000 Genomes Project 0.00020.
gnomAD v4.1: 18 of 1,614,032 alleles (0.0011%); highest among the groups gnomAD compares: East Asian, 0.0089%; no homozygotes.

Submissions (13):

Labcorp Genetics (formerly Invitae), Labcorp
Classification: Benign for Hereditary breast ovarian cancer syndrome. Last evaluated: 2026-01-14. Review status: criteria provided, single submitter. Criteria: Invitae Variant Classification Sherloc (09022015). Collection method: clinical testing. Allele origin: germline.

GeneDx
Classification: Uncertain significance. Last evaluated: 2025-02-11. Review status: criteria provided, single submitter. Criteria: GeneDx Variant Classification Process June 2021. Collection method: clinical testing. Allele origin: germline. Affected: yes.
Comment: Observed in individuals with breast, ovarian, and other cancers, but also in unaffected controls (PMID: 36775216, 35534704, 16826315, 25337278, 24916970, 28176296, 30093976, 29684080, 32467295, 33471991); Published functional studies suggest no impact on homologous recombination repair activity (PMID: 32546644); In silico analysis indicates that this missense variant does not alter protein structure/function; Also known as 1114G>A; This variant is associated with the following publications: (PMID: 24916970, 25337278, 15385441, 16267036, 15235020, 30093976, 29684080, 28176296, 31131967, 33471991, 32467295, 16826315, 37002680, 36775216, 11521194, 9582019, 9926942, 15343273, 20215511, 35534704, 34981296, 35264596, 32546644)

Mayo Clinic Laboratories, Mayo Clinic
Classification: Benign. Last evaluated: 2024-11-04. Review status: criteria provided, single submitter. Criteria: ACMG Guidelines, 2015. Collection method: clinical testing. Allele origin: germline. Observed: 1 variant allele.
Comment: BS1_supporting, BS3, BP1_strong

Quest Diagnostics Nichols Institute San Juan Capistrano
Classification: Uncertain significance. Last evaluated: 2024-08-20. Review status: criteria provided, single submitter. Criteria: Quest Diagnostics criteria. Collection method: clinical testing. Allele origin: unknown.
Comment: The BRCA1 c.995G>A (p.Arg332Gln) variant has been reported in the published literature in individuals affected with breast and/or ovarian cancer (PMID: 16826315 (2006), 25337278 (2014), 24916970 (2015), 28176296 (2017), 30093976 (2018), 33471991 (2021), see also LOVD, 35264596 (2022), 35534704 (2022)). This variant has also been found in reportedly healthy individuals (PMID: 32467295 (2020), 33471991 (2021), see also LOVD). In addition, this variant has been described to be of little clinical significance in an evolutionary conservation analysis (PMID: 15235020 (2004)), shown to result in no splicing aberrations (PMID: 18273839 (2008), 23893897 (2013)), and is reported as neutral in a homologous recombination repair assay (PMID: 32546644 (2020)). The frequency of this variant in the general population, 0.000087 (3/34586 chromosomes (Genome Aggregation Database)), is uninformative in the assessment of its pathogenicity. Analysis of this variant using bioinformatics tools for the prediction of the effect of amino acid changes on protein structure and function yielded conflicting predictions that this variant is deleterious or benign. Based on the available information, we are unable to determine the clinical significance of this variant.

Mendelics
Classification: Likely benign for Breast-ovarian cancer, familial, susceptibility to, 1. Last evaluated: 2024-04-09. Review status: criteria provided, single submitter. Criteria: ACMG Guidelines, 2015. Collection method: clinical testing. Allele origin: unknown.

Women's Health and Genetics/Laboratory Corporation of America, LabCorp
Classification: Likely benign. Last evaluated: 2024-02-12. Review status: criteria provided, single submitter. Criteria: LabCorp Variant Classification Summary - May 2015. Collection method: clinical testing. Allele origin: germline.
Comment: Variant summary: BRCA1 c.995G>A (p.Arg332Gln) results in a conservative amino acid change in the encoded protein sequence. Four of four in-silico tools predict a benign effect of the variant on protein function. The variant allele was found at a frequency of 3.6e-05 in 251440 control chromosomes. The available data on variant occurrences in the general population are insufficient to allow any conclusion about variant significance. c.995G>A has been reported in the literature in individuals affected with Breast and/or Ovarian Cancer Syndrome (e.g. Judkins_2005, Peixoto_2006, Sun_2014, Shi_2017, Chan_2018). In a large study evaluating breast cancer cases and controls in the Breast Cancer Association Consortium (BCAC), the variant was reported in 3/60466 cases, but was also in 1/53461 controls (Dorling_2021 through LOVD). These report(s) do not provide unequivocal conclusions about association of the variant with Hereditary Breast And Ovarian Cancer Syndrome. At least one publication reports experimental evidence evaluating an impact on protein function (Bouwman_2020). These results showed no damaging effect of this variant in its ability to complement Brca1-deficient mouse embryonic stem cells in homologous recombination DNA repair (HRR), using cisplatin and olaparib sensitivity assays and a direct repeat GFP (DR-GFP) HRR assay. HDR assays qualify as a recognized gold standard on the basis of updated guidance provided by the ClinGen Sequence Variant Interpretation (SVI) working group. This working group has recommended strong functional evidence (ACMG BS3) as sufficient weightage for categorization as likely benign (Tavtigian_2018). The following publications have been ascertained in the context of this evaluation (PMID: 15385441, 15235020, 12531920, 24916970, 18273839, 32546644, 30093976, 16267036, 16826315, 28176296, 25337278, 24951259, 33471991). ClinVar contains an entry for this variant (Variation ID: 55776). Based on the evidence outlined above, the variant was classified as likely benign.

University of Washington Department of Laboratory Medicine, University of Washington
Classification: Likely benign for Hereditary cancer-predisposing syndrome. Last evaluated: 2023-03-23. Review status: criteria provided, single submitter. Criteria: Dines et al. (Genet Med. 2020). Collection method: curation. Allele origin: germline.
Comment: Missense variant in a coldspot region where missense variants are very unlikely to be pathogenic (PMID:31911673).

BRCA1 coldspot (exon 11 using historical exon numbering). Reclassification based on statistical prior probability

Sema4
Classification: Uncertain significance for Hereditary cancer-predisposing syndrome. Last evaluated: 2021-12-15. Review status: criteria provided, single submitter. Criteria: Sema4 Curation Guidelines. Collection method: curation. Allele origin: germline.
Comment: The BRCA1 c.995G>A (p.R332Q) variant has been reported in individuals with breast ad/or ovarian cancer and melanoma (PMID: 30093976, 28176296, 25337278, 24916970, 18273839, 16826315, 16267036, 29684080). Additionally, the variant was observed in a large case-control study in 1/60466 breast cancer cases and 1/53461 controls (PMID: 33471991). It was not observed in 9/251380 chromosomes in the large and broad cohorts of the Genome Aggregation Database. The variant has been reported in ClinVar (Variation ID 55776). Functional studies have not been performed, and in silico predictions of the variant's effect on protein function are inconclusive. The evidence is insufficient to meet ACMG/AMP criteria for classifying the variant as benign or pathogenic. Thus, the clinical significance of this variant is currently uncertain.

Ambry Genetics
Classification: Likely benign for Hereditary cancer-predisposing syndrome. Last evaluated: 2019-02-25. Review status: criteria provided, single submitter. Criteria: Ambry Variant Classification Scheme 2023. Collection method: clinical testing. Allele origin: germline.

Color Diagnostics, LLC DBA Color Health
Classification: Likely benign for Hereditary cancer-predisposing syndrome. Last evaluated: 2016-10-17. Review status: criteria provided, single submitter. Criteria: ACMG Guidelines, 2015. Collection method: clinical testing. Allele origin: germline.

PreventionGenetics, part of Exact Sciences
Classification: Uncertain significance for BRCA1-related condition. Last evaluated: 2023-11-27. Review status: no assertion criteria provided. Collection method: clinical testing. Allele origin: germline. Not counted in ClinVar's aggregate classification.
Comment: The BRCA1 c.995G>A variant is predicted to result in the amino acid substitution p.Arg332Gln. This variant was reported as likely neutral or of little clinical significance (Abkevich et al. 2004. PubMed ID: 15235020). This variant was also reported in two breast cancer patients, but no further information was provided (Sun et al. 2014. PubMed ID: 25337278). In the gnomAD public population database this variant has been reported in up to 0.016 % of alleles in a subpopulation and has conflicting interpretations regarding its pathogenicity in ClinVar, ranging from likely benign to a variant of uncertain significance. At this time, the clinical significance of this variant is uncertain due to the absence of conclusive functional and genetic evidence.

Counsyl
Classification: Uncertain significance for Breast-ovarian cancer, familial, susceptibility to, 1. Last evaluated: 2015-12-22. Review status: no assertion criteria provided. Collection method: clinical testing. Allele origin: unknown. Not counted in ClinVar's aggregate classification.

Breast Cancer Information Core (BIC) (BRCA1)
Classification: Uncertain significance for Breast-ovarian cancer, familial 1. Last evaluated: 2002-05-29. Review status: no assertion criteria provided. Collection method: clinical testing. Allele origin: germline. Affected: yes. Observed: 1 variant allele. Not counted in ClinVar's aggregate classification.

Literature cited by the submitters: PubMed 28176296 (cited by 3 submitters); PubMed 30093976 (cited by 3 submitters); PubMed 33471991 (cited by 3 submitters); PubMed 32467295 (cited by Quest Diagnostics Nichols Institute San Juan Capistrano); PubMed 32546644 (cited by Quest Diagnostics Nichols Institute San Juan Capistrano and Women's Health and Genetics/Laboratory Corporation of America, LabCorp); PubMed 16267036 (cited by 5 submitters); PubMed 18273839 (cited by 4 submitters); PubMed 35264596 (cited by Quest Diagnostics Nichols Institute San Juan Capistrano); PubMed 35534704 (cited by Quest Diagnostics Nichols Institute San Juan Capistrano); PubMed 21520333 (cited by Quest Diagnostics Nichols Institute San Juan Capistrano); PubMed 15235020 (cited by 3 submitters); PubMed 25337278 (cited by 5 submitters); PubMed 24916970 (cited by 4 submitters); PubMed 16826315 (cited by 5 submitters); PubMed 23893897 (cited by Quest Diagnostics Nichols Institute San Juan Capistrano); PubMed 15385441 (cited by 3 submitters); PubMed 12531920 (cited by Women's Health and Genetics/Laboratory Corporation of America, LabCorp); PubMed 24951259 (cited by Women's Health and Genetics/Laboratory Corporation of America, LabCorp); PubMed 29684080 (cited by Sema4); PubMed 25348012 (cited by Counsyl).